The following is an entry in ClinVar:

NM_001127898.4(CLCN5):c.1723G>A (p.Val575Ile)

Gene: CLCN5 (Cl-/H+ antiporter 5; plus strand). Cytogenetic location: Xp11.23.
Variant type: single nucleotide variant.
Coding change: c.1723G>A on transcript NM_001127898.4 (MANE Select); coding-DNA position 1723, G replaced by A.
Protein change: p.Val575Ile; replaces valine 575 with isoleucine.
Molecular consequence: missense variant. On other transcripts: non-coding transcript variant (1).
Genome position (GRCh38, 1-based): chrX:50,088,863, G>A. VCF-style: chrX-50088863-G-A. GRCh37 (hg19) VCF-style: chrX-49853520-G-A.
Other names: c.1513G>A, p.Val505Ile (NM_000084.5); c.1723G>A, p.Val575Ile (NM_001127899.4); c.1573G>A, p.Val525Ile (NM_001282163.2); c.1735G>A, p.Val579Ile (NM_001440756.1, NM_001440757.1); short protein forms V505I, V525I, V575I, V579I.
Identifiers: ClinVar variation 4526844 (VCV004526844.1).

ClinVar aggregate classification (germline): Uncertain significance (1 of 4 stars; one submission).

Conditions:
Hypophosphatemic rickets, X-linked recessive (XLHRR). Identifiers: Orphanet 1652, Orphanet 93622, MedGen C1845168, MONDO:0010358, OMIM 300554.
Proteinuria, low molecular weight, with hypercalciuria and nephrocalcinosis. Identifiers: Orphanet 1652, Orphanet 93622, MedGen C1839874, MONDO:0010644, OMIM 308990.
Dent disease type 1 (DENT1). Also called: NEPHROLITHIASIS 2; NEPHROLITHIASIS, HYPERCALCIURIC, X-LINKED. Identifiers: Orphanet 1652, Orphanet 93622, MedGen C1848336, MONDO:0010225, OMIM 300009.
X-linked recessive nephrolithiasis with renal failure (XRN). Also called: NEPHROLITHIASIS 1; NEPHROLITHIASIS, X-LINKED RECESSIVE, TYPE 1; UROLITHIASIS, X-LINKED RECESSIVE, TYPE 1. Identifiers: Orphanet 1652, Orphanet 93622, MedGen C0403720, MONDO:0010687, OMIM 310468.

gnomAD v4.1: 3 of 1,211,290 alleles (0.00025%); highest among the groups gnomAD compares: Non-Finnish European, 0.00034%; no homozygotes.

Submission:

Rare Kidney Stone Consortium and the Mayo Clinic Hyperoxaluria Center, Mayo Clinic
Classification: Uncertain significance for Dent disease type 1; Hypophosphatemic rickets, X-linked recessive; X-linked recessive nephrolithiasis with renal failure; Proteinuria, low molecular weight, with hypercalciuria and nephrocalcinosis. Last evaluated: 2025-10-03. Review status: criteria provided, single submitter. Criteria: ACMG Guidelines, 2015. Collection method: research. Allele origin: germline. Observed: 1 variant allele.
Comment: ACMG:PM1, PM2, PP3

Literature cited by the submitters: PubMed 40794449.